The following is an entry in ClinVar:

NM_001374828.1(ARID1B):c.1238G>A (p.Gly413Glu)

Gene: ARID1B (AT-rich interaction domain 1B; plus strand). Cytogenetic location: 6q25.3.
Variant type: single nucleotide variant.
Coding change: c.1238G>A on transcript NM_001374828.1 (MANE Select); coding-DNA position 1238, G replaced by A.
Protein change: p.Gly413Glu; replaces glycine 413 with glutamic acid.
Molecular consequence: missense variant.
Genome position (GRCh38, 1-based): chr6:156,778,918, G>A. VCF-style: chr6-156778918-G-A. GRCh37 (hg19) VCF-style: chr6-157100052-G-A.
Other names: c.1238G>A, p.Gly413Glu (NM_001371656.1, NM_001374820.1, NM_001438482.1 and 9 more transcripts); short protein forms G413E.
Identifiers: ClinVar variation 4755037 (VCV004755037.1).
Genomic context (GRCh38, chr6:156,778,918, plus strand): 5'-GCGGCGGCGGCGGCGGAGGAGGAGGAGGCAGCGGAGGAGGAGGAGGAGGAGGAGGAGCAG[G>A]AGCAGGAGGAGCAGGAGCGGGAGCTGTGGCGGCGGCGGCCGCGGCGGCGGCGGCAGCAGC-3'
Protein context (NP_001361757.1, residues 403-423): SGGGGGGGGA[Gly413Glu]AGGAGAGAVA

ClinVar aggregate classification (germline): Uncertain significance (1 of 4 stars; one submission).

gnomAD v4.1: 2 of 1,317,138 alleles (0.00015%); highest among the groups gnomAD compares: Admixed American, 0.0041%; no homozygotes.

Submission:

Labcorp Genetics (formerly Invitae), Labcorp
Classification: Uncertain significance. Last evaluated: 2025-09-09. Review status: criteria provided, single submitter. Criteria: Invitae Variant Classification Sherloc (09022015). Collection method: clinical testing. Allele origin: germline.
Comment: This sequence change replaces glycine, which is neutral and non-polar, with glutamic acid, which is acidic and polar, at codon 330 of the ARID1B protein (p.Gly330Glu). The frequency data for this variant in the population databases is considered unreliable, as metrics indicate poor data quality at this position in the gnomAD database. This variant has not been reported in the literature in individuals affected with ARID1B-related conditions. Invitae Evidence Modeling of protein sequence and biophysical properties (such as structural, functional, and spatial information, amino acid conservation, physicochemical variation, residue mobility, and thermodynamic stability) indicates that this missense variant is not expected to disrupt ARID1B protein function with a negative predictive value of 95%. In summary, the available evidence is currently insufficient to determine the role of this variant in disease. Therefore, it has been classified as a Variant of Uncertain Significance.